The following is an entry in ClinVar:

ClinVar aggregate classification (germline): Likely benign (1 of 4 stars; one submission).

gnomAD v4.1: 773 of 1,601,830 alleles (0.048%); highest among the groups gnomAD compares: African/African-American, 0.92%; 5 homozygotes.

Submission:

CeGaT Center for Human Genetics Tuebingen
Classification: Likely benign. Last evaluated: 2026-06-01. Review status: criteria provided, single submitter. Criteria: CeGaT Center For Human Genetics Tuebingen Variant Classification Criteria Version 2. Collection method: clinical testing. Allele origin: germline. Affected: yes. Observed: 2 variant alleles.
Comment: BRSK2: BP4, BP7, BS1

NM_001256627.2(BRSK2):c.765C>T (p.Ala255=)

Gene: BRSK2 (BR serine/threonine kinase 2; plus strand). Cytogenetic location: 11p15.5.
Variant type: single nucleotide variant.
Coding change: c.765C>T on transcript NM_001256627.2 (MANE Select); coding-DNA position 765, C replaced by T.
Protein change: p.Ala255=; no amino-acid change (alanine 255 retained).
Molecular consequence: synonymous variant. On other transcripts: non-coding transcript variant (1).
Genome position (GRCh38, 1-based): chr11:1,443,620, C>T. VCF-style: chr11-1443620-C-T. GRCh37 (hg19) VCF-style: chr11-1464850-C-T.
Other names: c.765C>T, p.Ala255= (NM_001256629.2, NM_001440665.1, NM_001440666.1 and 3 more transcripts); c.903C>T, p.Ala301= (NM_001256630.1, NM_001440667.1); c.585C>T, p.Ala195= (NM_001282218.2, NM_001440669.1, NM_001440671.1 and 5 more transcripts).
Identifiers: ClinVar variation 4872283 (VCV004872283.2).